The following is an entry in ClinVar:

ClinVar aggregate classification (germline): Conflicting classifications of pathogenicity. Review status: criteria provided, conflicting classifications (1 of 4 stars). 7 submissions from 7 submitters: Uncertain significance (1); Benign (1); Likely benign (4). 1 of the submissions does not count toward it. Last evaluated 2025-12-21.

Conditions:
CREBBP-related disorder. Also called: CREBBP-related condition; CREBBP-related disorders.
Rubinstein-Taybi syndrome (RSTS). Identifiers: Orphanet 783, MedGen C0035934, MONDO:0019188.
Inborn genetic diseases. Identifiers: MedGen C0950123, MeSH D030342.

Allele frequency attached by ClinVar (database versions not stated): TOPMed 0.00011; gnomAD 0.00012 and 0.00014; gnomAD exomes 0.00012 and 0.00026; ExAC 0.00014; ESP Exome Variant Server 0.00023.
gnomAD v4.1: 198 of 1,598,442 alleles (0.012%); highest among the groups gnomAD compares: Middle Eastern, 0.066%; 1 homozygote.

Submissions (7):

Labcorp Genetics (formerly Invitae), Labcorp
Classification: Benign for Rubinstein-Taybi syndrome. Last evaluated: 2025-12-21. Review status: criteria provided, single submitter. Criteria: Invitae Variant Classification Sherloc (09022015). Collection method: clinical testing. Allele origin: germline.

CeGaT Center for Human Genetics Tuebingen
Classification: Likely benign. Last evaluated: 2025-02-01. Review status: criteria provided, single submitter. Criteria: CeGaT Center For Human Genetics Tuebingen Variant Classification Criteria Version 2. Collection method: clinical testing. Allele origin: germline. Affected: yes. Observed: 4 variant alleles.
Comment: CREBBP: BP4, BP7

Blueprint Genetics
Classification: Likely benign. Last evaluated: 2022-07-06. Review status: criteria provided, single submitter. Criteria: ACMG Guidelines, 2015. Collection method: clinical testing. Allele origin: germline.

Ambry Genetics
Classification: Likely benign for Inborn genetic diseases. Last evaluated: 2020-08-31. Review status: criteria provided, single submitter. Criteria: Ambry Variant Classification Scheme 2023. Collection method: clinical testing. Allele origin: germline.

Eurofins Ntd Llc (ga)
Classification: Uncertain significance. Last evaluated: 2014-12-10. Review status: criteria provided, single submitter. Criteria: EGL Classification Definitions 2015. Collection method: clinical testing. Allele origin: germline. Observed: 1 variant allele, 1 heterozygote.

Genetic Services Laboratory, University of Chicago
Classification: Likely benign. Last evaluated: 2013-02-08. Review status: criteria provided, single submitter. Criteria: ACMG Guidelines, 2007. Collection method: clinical testing. Allele origin: germline. Inheritance: Autosomal dominant inheritance.

PreventionGenetics, part of Exact Sciences
Classification: Likely benign for CREBBP-related condition. Last evaluated: 2021-08-31. Review status: no assertion criteria provided. Collection method: clinical testing. Allele origin: germline. Not counted in ClinVar's aggregate classification.
Comment: This variant is classified as likely benign based on ACMG/AMP sequence variant interpretation guidelines (Richards et al. 2015 PMID: 25741868, with internal and published modifications).

NM_004380.3(CREBBP):c.6090G>A (p.Gln2030=)

Gene: CREBBP (CREB binding lysine acetyltransferase; minus strand). Cytogenetic location: 16p13.3.
Variant type: single nucleotide variant.
Coding change: c.6090G>A on transcript NM_004380.3 (MANE Select); coding-DNA position 6090, G replaced by A.
Protein change: p.Gln2030=; no amino-acid change (glutamine 2030 retained).
Molecular consequence: synonymous variant.
Genome position (GRCh38, 1-based): chr16:3,728,957, C>T on the plus strand (G>A on the coding strand, the complement: CREBBP is on the minus strand). VCF-style: chr16-3728957-C-T. GRCh37 (hg19) VCF-style: chr16-3778958-C-T.
Other names: c.5976G>A, p.Gln1992= (NM_001079846.1).
Identifiers: ClinVar variation 158395 (VCV000158395.61), dbSNP rs374969185, ClinGen allele CA171802.